The following is an entry in ClinVar:

ClinVar aggregate classification (germline): Uncertain significance (1 of 4 stars; one submission).

Allele frequency attached by ClinVar (database versions not stated): gnomAD exomes 0.00001; ExAC 0.00002; gnomAD 0.00002.
gnomAD v4.1: 21 of 1,614,078 alleles (0.0013%); highest among the groups gnomAD compares: African/African-American, 0.0053%; no homozygotes.

Submission:

Labcorp Genetics (formerly Invitae), Labcorp
Classification: Uncertain significance. Last evaluated: 2022-04-09. Review status: criteria provided, single submitter. Criteria: Invitae Variant Classification Sherloc (09022015). Collection method: clinical testing. Allele origin: germline.
Comment: Algorithms developed to predict the effect of missense changes on protein structure and function (SIFT, PolyPhen-2, Align-GVGD) all suggest that this variant is likely to be disruptive. This variant has not been reported in the literature in individuals affected with LRP6-related conditions. This variant is present in population databases (rs746427916, gnomAD 0.005%). This sequence change replaces threonine, which is neutral and polar, with methionine, which is neutral and non-polar, at codon 1258 of the LRP6 protein (p.Thr1258Met). In summary, the available evidence is currently insufficient to determine the role of this variant in disease. Therefore, it has been classified as a Variant of Uncertain Significance.

NM_002336.3(LRP6):c.3773C>T (p.Thr1258Met)

Gene: LRP6 (LDL receptor related protein 6; minus strand). Cytogenetic location: 12p13.2.
Variant type: single nucleotide variant.
Coding change: c.3773C>T on transcript NM_002336.3 (MANE Select); coding-DNA position 3773, C replaced by T.
Protein change: p.Thr1258Met; replaces threonine 1258 with methionine.
Molecular consequence: missense variant.
Genome position (GRCh38, 1-based): chr12:12,132,018, G>A on the plus strand (C>T on the coding strand, the complement: LRP6 is on the minus strand). VCF-style: chr12-12132018-G-A. GRCh37 (hg19) VCF-style: chr12-12284952-G-A.
Other names: c.3866C>T, p.Thr1289Met (NM_001414244.1); c.3773C>T, p.Thr1258Met (NM_001414245.1, NM_001414248.1, NM_001414249.1 and 1 more transcripts); c.3575C>T, p.Thr1192Met (NM_001414247.1); c.3320C>T, p.Thr1107Met (NM_001414252.1, NM_001414253.1, NM_001414254.1); c.3266C>T, p.Thr1089Met (NM_001414255.1); short protein forms T1089M, T1107M, T1192M, T1258M, T1289M.
Identifiers: ClinVar variation 2169044 (VCV002169044.4), dbSNP rs746427916, ClinGen allele CA6455110.